The following is an entry in ClinVar:

ClinVar aggregate classification (germline): Uncertain significance (1 of 4 stars; one submission).

Conditions:
Cardiovascular phenotype. Identifiers: MedGen CN230736.

gnomAD v4.1: 1 of 1,614,134 alleles (0.000062%); highest among the groups gnomAD compares: African/African-American, 0.0013%; no homozygotes.

Submission:

Ambry Genetics
Classification: Uncertain significance for Cardiovascular phenotype. Last evaluated: 2026-07-24. Review status: criteria provided, single submitter. Criteria: Ambry Variant Classification Scheme 2023. Collection method: clinical testing. Allele origin: germline.
Comment: The p.P392H variant (also known as c.1175C>A), located in coding exon 9 of the ENG gene, results from a C to A substitution at nucleotide position 1175. The proline at codon 392 is replaced by histidine, an amino acid with similar properties. This amino acid position is conserved. In addition, the in silico prediction for this alteration is inconclusive. Based on the available evidence, the clinical significance of this variant remains unclear.

NM_001114753.3(ENG):c.1175C>A (p.Pro392His)

Genes: ENG (endoglin; minus strand), LOC102723566 (uncharacterized LOC102723566; plus strand). Cytogenetic location: 9q34.11.
Variant type: single nucleotide variant.
Coding change: c.1175C>A on transcript NM_001114753.3 (MANE Select); coding-DNA position 1175, C replaced by A.
Protein change: p.Pro392His; replaces proline 392 with histidine.
Molecular consequence: missense variant.
Genome position (GRCh38, 1-based): chr9:127,819,997, G>T on the plus strand (C>A on the coding strand, the complement: ENG is on the minus strand). VCF-style: chr9-127819997-G-T. GRCh37 (hg19) VCF-style: chr9-130582276-G-T.
Other names: c.1175C>A, p.Pro392His (NM_000118.4); c.629C>A, p.Pro210His (NM_001278138.2); short protein forms P210H, P392H.
Identifiers: ClinVar variation 5035967 (VCV005035967.1).
Genomic context (GRCh38, chr9:127,819,997, plus strand): 5'-CAGCTGGAGTAAGCACTGCGCAAGACAAACTTGTCACCCCTGTCCTCTGCCTCACAGCTG[G>T]GGTCCCAGAAGGTCAGGCCCGTGATGGTGCACTTCAAATGCTGGGTCGGAAGAGAGGGGC-3'
Protein context (NP_001108225.1, residues 382-402): CTITGLTFWD[Pro392His]SCEAEDRGDK